The following is an entry in ClinVar:

ClinVar aggregate classification (germline): Benign. Review status: criteria provided, multiple submitters, no conflicts (2 of 4 stars). 9 submissions from 9 submitters: Benign (6). 3 of the submissions do not count toward it. Last evaluated 2026-02-04.

Conditions:
Pyruvate dehydrogenase E1-beta deficiency (PDHBD). Identifiers: Orphanet 255138, Orphanet 765, MedGen C3279841, MONDO:0013580, OMIM 614111.
Pyruvate dehydrogenase phosphatase deficiency (PDHPD). Also called: LACTIC ACIDEMIA WITH PYRUVATE DEHYDROGENASE PHOSPHATASE DEFICIENCY. Identifiers: Orphanet 79246, MedGen C1837429, MONDO:0012120, OMIM 608782.

Allele frequency attached by ClinVar (database versions not stated): ESP Exome Variant Server 0.06605; 1000 Genomes Project 0.20467; 1000 Genomes Project 30x 0.21049; ExAC 0.28318; gnomAD exomes 0.28889 and 0.34149; gnomAD 0.29540 and 0.30058; TOPMed 0.29740.
gnomAD v4.1: 543,402 of 1,613,494 alleles (34%); highest among the groups gnomAD compares: Middle Eastern, 40%; 97,658 homozygotes.

Submissions (9):

Labcorp Genetics (formerly Invitae), Labcorp
Classification: Benign for Pyruvate dehydrogenase E1-beta deficiency. Last evaluated: 2026-02-04. Review status: criteria provided, single submitter. Criteria: Invitae Variant Classification Sherloc (09022015). Collection method: clinical testing. Allele origin: germline.

Genome-Nilou Lab
Classification: Benign for Pyruvate dehydrogenase E1-beta deficiency. Last evaluated: 2021-09-05. Review status: criteria provided, single submitter. Criteria: ACMG Guidelines, 2015. Collection method: clinical testing. Allele origin: germline. Affected: no.

Pars Genome Lab
Classification: Benign for Pyruvate dehydrogenase E1-beta deficiency. Last evaluated: 2021-06-15. Review status: criteria provided, single submitter. Criteria: ACMG Guidelines, 2015. Collection method: clinical testing. Allele origin: germline. Affected: no.

Illumina Laboratory Services, Illumina
Classification: Benign for Pyruvate dehydrogenase E1-beta deficiency. Last evaluated: 2018-01-13. Review status: criteria provided, single submitter. Criteria: ICSL Variant Classification Criteria 13 December 2019. Collection method: clinical testing. Allele origin: germline.
Comment: This variant was observed in the ICSL laboratory as part of a predisposition screen in an ostensibly healthy population. It had not been previously curated by ICSL or reported in the Human Gene Mutation Database (HGMD: prior to June 1st, 2018), and was therefore a candidate for classification through an automated scoring system. Utilizing variant allele frequency, disease prevalence and penetrance estimates, and inheritance mode, an automated score was calculated to assess if this variant is too frequent to cause the disease. Based on the score and internal cut-off values, a variant classified as benign is not then subjected to further curation. The score for this variant resulted in a classification of benign for this disease.

GeneDx
Classification: Benign. Last evaluated: 2015-03-03. Review status: criteria provided, single submitter. Criteria: GeneDx Variant Classification Process June 2021. Collection method: clinical testing. Allele origin: germline. Affected: yes.

Breakthrough Genomics
Classification: Benign. Review status: criteria provided, single submitter. Criteria: ACMG Guidelines, 2015. Collection method: not provided. Allele origin: germline. Inheritance: Autosomal recessive inheritance. Affected: yes.

Natera, Inc.
Classification: Benign for Pyruvate dehydrogenase phosphatase deficiency. Last evaluated: 2019-11-19. Review status: no assertion criteria provided. Collection method: clinical testing. Allele origin: germline. Not counted in ClinVar's aggregate classification.

Mayo Clinic Laboratories, Mayo Clinic
Classification: Benign. Last evaluated: 2016-02-19. Review status: no assertion criteria provided. Collection method: clinical testing. Allele origin: unknown. Not counted in ClinVar's aggregate classification.

Genetic Services Laboratory, University of Chicago
Classification: Likely benign for AllHighlyPenetrant. Review status: no assertion criteria provided. Collection method: clinical testing. Allele origin: germline. Inheritance: Autosomal recessive inheritance. Not counted in ClinVar's aggregate classification.
Comment: Likely benign based on allele frequency in 1000 Genomes Project or ESP global frequency and its presence in a patient with a rare or unrelated disease phenotype. NOT Sanger confirmed.

NM_000925.4(PDHB):c.438G>A (p.Gly146=)

Gene: PDHB (pyruvate dehydrogenase E1 subunit beta; minus strand). Cytogenetic location: 3p14.3.
Variant type: single nucleotide variant.
Coding change: c.438G>A on transcript NM_000925.4 (MANE Select); coding-DNA position 438, G replaced by A.
Protein change: p.Gly146=; no amino-acid change (glycine 146 retained).
Molecular consequence: synonymous variant. On other transcripts: non-coding transcript variant (1), intron variant (1).
Genome position (GRCh38, 1-based): chr3:58,430,808, C>T on the plus strand (G>A on the coding strand, the complement: PDHB is on the minus strand). VCF-style: chr3-58430808-C-T. GRCh37 (hg19) VCF-style: chr3-58416535-C-T.
Other names: c.384G>A, p.Gly128= (NM_001315536.2); c.404-20G>A (NM_001173468.2).
Identifiers: ClinVar variation 129880 (VCV000129880.28), dbSNP rs1126551, ClinGen allele CA154227.